The following is an entry in ClinVar:

NM_001256864.2(DNAJC6):c.1715C>T (p.Ala572Val)

Gene: DNAJC6 (DnaJ heat shock protein family (Hsp40) member C6; plus strand). Cytogenetic location: 1p31.3.
Variant type: single nucleotide variant.
Coding change: c.1715C>T on transcript NM_001256864.2 (MANE Select); coding-DNA position 1715, C replaced by T.
Protein change: p.Ala572Val; replaces alanine 572 with valine.
Molecular consequence: missense variant.
Genome position (GRCh38, 1-based): chr1:65,392,677, C>T. VCF-style: chr1-65392677-C-T. GRCh37 (hg19) VCF-style: chr1-65858360-C-T.
Other names: c.1505C>T, p.Ala502Val (NM_001256865.2); c.1544C>T, p.Ala515Val (NM_014787.4); c.1544C>T (NM_014787.2); short protein forms A502V, A515V, A572V.
Identifiers: ClinVar variation 1378591 (VCV001378591.4), dbSNP rs141779215, ClinGen allele CA893982.

ClinVar aggregate classification (germline): Conflicting classifications of pathogenicity. Review status: criteria provided, conflicting classifications (1 of 4 stars). 2 submissions from 2 submitters: Uncertain significance (1); Likely benign (1). Last evaluated 2022-07-13.

Conditions:
Inborn genetic diseases. Identifiers: MedGen C0950123, MeSH D030342.
Juvenile onset Parkinson disease 19A. Also called: PARK19; DNAJC6 Parkinson Disease. Identifiers: Orphanet 391411, MedGen C3809811, MONDO:0014231, OMIM 615528.

Allele frequency attached by ClinVar (database versions not stated): gnomAD exomes 0.00002 and 0.00006; ExAC 0.00004; gnomAD 0.00007 and 0.00008; TOPMed 0.00010; ESP Exome Variant Server 0.00015; 1000 Genomes Project 0.00040; 1000 Genomes Project 30x 0.00062.
gnomAD v4.1: 36 of 1,612,270 alleles (0.0022%); highest among the groups gnomAD compares: Admixed American, 0.028%; no homozygotes.

Submissions (2):

Labcorp Genetics (formerly Invitae), Labcorp
Classification: Uncertain significance for Juvenile onset Parkinson disease 19A. Last evaluated: 2022-07-13. Review status: criteria provided, single submitter. Criteria: Invitae Variant Classification Sherloc (09022015). Collection method: clinical testing. Allele origin: germline.
Comment: This sequence change replaces alanine, which is neutral and non-polar, with valine, which is neutral and non-polar, at codon 572 of the DNAJC6 protein (p.Ala572Val). This variant is present in population databases (rs141779215, gnomAD 0.03%). This variant has not been reported in the literature in individuals affected with DNAJC6-related conditions. ClinVar contains an entry for this variant (Variation ID: 1378591). Algorithms developed to predict the effect of missense changes on protein structure and function output the following: SIFT: "Tolerated"; PolyPhen-2: "Benign"; Align-GVGD: "Class C0". The valine amino acid residue is found in multiple mammalian species, which suggests that this missense change does not adversely affect protein function. In summary, the available evidence is currently insufficient to determine the role of this variant in disease. Therefore, it has been classified as a Variant of Uncertain Significance.

Ambry Genetics
Classification: Likely benign for Inborn genetic diseases. Last evaluated: 2021-05-19. Review status: criteria provided, single submitter. Criteria: Ambry Variant Classification Scheme 2023. Collection method: clinical testing. Allele origin: germline.